The following is an entry in ClinVar:

ClinVar aggregate classification (germline): Conflicting classifications of pathogenicity. Review status: criteria provided, conflicting classifications (1 of 4 stars). 6 submissions from 5 submitters: Uncertain significance (2); Benign (1); Likely benign (3). Last evaluated 2026-06-17.

Conditions:
Hereditary cancer-predisposing syndrome. Also called: Neoplastic Syndromes, Hereditary; Tumor predisposition; Hereditary Cancer Syndrome; Hereditary neoplastic syndrome. Identifiers: Orphanet 140162, MedGen C0027672, MeSH D009386, MONDO:0015356.
Idiopathic hypereosinophilic syndrome (HES). Identifiers: Orphanet 3260, MedGen C0206141, MONDO:0011895, OMIM 607685. Disease mechanism: gain of function.
Gastrointestinal stromal tumor. Also called: Gastrointestinal stroma tumor; Gastrointestinal stromal tumor, somatic. Identifiers: Orphanet 44890, MedGen C0238198, MeSH D046152, MONDO:0011719, OMIM 606764, HP:0100723.
Polyps, multiple and recurrent inflammatory fibroid, gastrointestinal. Identifiers: MedGen C5193005, MONDO:0008285, OMIM 175510.

Allele frequency attached by ClinVar (database versions not stated): gnomAD exomes 0.00001.
gnomAD v4.1: 12 of 1,613,428 alleles (0.00074%); highest among the groups gnomAD compares: Non-Finnish European, 0.00093%; no homozygotes.

Submissions (6):

Myriad Genetics, Inc.
Classification: Benign for Polyps, multiple and recurrent inflammatory fibroid, gastrointestinal. Last evaluated: 2026-06-17. Review status: criteria provided, single submitter. Criteria: Myriad Autosomal Dominant, Autosomal Recessive and X-Linked Classification Criteria (2023). Collection method: clinical testing. Allele origin: unknown.
Comment: This variant is considered benign. This variant is a silent/synonymous amino acid change and it is not expected to impact splicing.

Labcorp Genetics (formerly Invitae), Labcorp
Classification: Likely benign for Gastrointestinal stromal tumor. Last evaluated: 2025-12-17. Review status: criteria provided, single submitter. Criteria: Invitae Variant Classification Sherloc (09022015). Collection method: clinical testing. Allele origin: germline.

CeGaT Center for Human Genetics Tuebingen
Classification: Likely benign. Last evaluated: 2024-11-01. Review status: criteria provided, single submitter. Criteria: CeGaT Center For Human Genetics Tuebingen Variant Classification Criteria Version 2. Collection method: clinical testing. Allele origin: germline. Affected: yes. Observed: 1 variant allele.
Comment: PDGFRA: BP4, BP7

Ambry Genetics
Classification: Likely benign for Hereditary cancer-predisposing syndrome. Last evaluated: 2022-06-01. Review status: criteria provided, single submitter. Criteria: Ambry Variant Classification Scheme 2023. Collection method: clinical testing. Allele origin: germline.

Illumina Laboratory Services, Illumina
Classification: Uncertain significance for Gastrointestinal stromal tumor. Last evaluated: 2018-01-13. Review status: criteria provided, single submitter. Criteria: ICSL Variant Classification Criteria 13 December 2019. Collection method: clinical testing. Allele origin: germline.

Illumina Laboratory Services, Illumina
Classification: Uncertain significance for Idiopathic hypereosinophilic syndrome. Last evaluated: 2018-01-13. Review status: criteria provided, single submitter. Criteria: ICSL Variant Classification Criteria 13 December 2019. Collection method: clinical testing. Allele origin: germline.

NM_006206.6(PDGFRA):c.1794C>T (p.Val598=)

Gene: PDGFRA (platelet derived growth factor receptor alpha; plus strand). Cytogenetic location: 4q12.
Variant type: single nucleotide variant.
Coding change: c.1794C>T on transcript NM_006206.6 (MANE Select); coding-DNA position 1794, C replaced by T.
Protein change: p.Val598=; no amino-acid change (valine 598 retained).
Molecular consequence: synonymous variant.
Genome position (GRCh38, 1-based): chr4:54,277,395, C>T. VCF-style: chr4-54277395-C-T. GRCh37 (hg19) VCF-style: chr4-55143562-C-T.
Other names: c.1794C>T, p.Val598= (NM_001347827.2, NM_001347829.2); c.1869C>T, p.Val623= (NM_001347828.2); c.1833C>T, p.Val611= (NM_001347830.2).
Identifiers: ClinVar variation 704382 (VCV000704382.32), dbSNP rs1218651787, ClinGen allele CA439287249.